The following is an entry in ClinVar:

NM_017617.5(NOTCH1):c.650G>A (p.Arg217Gln)

Gene: NOTCH1 (notch receptor 1; minus strand). Cytogenetic location: 9q34.3.
Variant type: single nucleotide variant.
Coding change: c.650G>A on transcript NM_017617.5 (MANE Select); coding-DNA position 650, G replaced by A.
Protein change: p.Arg217Gln; replaces arginine 217 with glutamine.
Molecular consequence: missense variant.
Genome position (GRCh38, 1-based): chr9:136,522,942, C>T on the plus strand (G>A on the coding strand, the complement: NOTCH1 is on the minus strand). VCF-style: chr9-136522942-C-T. GRCh37 (hg19) VCF-style: chr9-139417394-C-T.
Other names: c.650G>A, p.Arg217Gln (LRG_1122t1); short protein forms R217Q.
Identifiers: ClinVar variation 451811 (VCV000451811.7), dbSNP rs1392605424, ClinGen allele CA375569661.

ClinVar aggregate classification (germline): Uncertain significance. Review status: criteria provided, multiple submitters, no conflicts (2 of 4 stars). 2 submissions from 2 submitters: Uncertain significance (2). Last evaluated 2024-12-26.

Conditions:
Adams-Oliver syndrome 5 (AOS5). Identifiers: Orphanet 974, MedGen C4014970, MONDO:0014459, OMIM 616028.

Allele frequency attached by ClinVar (database versions not stated): gnomAD exomes 0.00001; TOPMed 0.00001.
gnomAD v4.1: 16 of 1,555,108 alleles (0.001%); highest among the groups gnomAD compares: South Asian, 0.0012%; no homozygotes.

Submissions (2):

Labcorp Genetics (formerly Invitae), Labcorp
Classification: Uncertain significance for Adams-Oliver syndrome 5. Last evaluated: 2024-12-26. Review status: criteria provided, single submitter. Criteria: Invitae Variant Classification Sherloc (09022015). Collection method: clinical testing. Allele origin: germline.
Comment: This sequence change replaces arginine, which is basic and polar, with glutamine, which is neutral and polar, at codon 217 of the NOTCH1 protein (p.Arg217Gln). This variant is not present in population databases (gnomAD no frequency). This missense change has been observed in individual(s) with developmental disorders (PMID: 33057194). ClinVar contains an entry for this variant (Variation ID: 451811). Invitae Evidence Modeling of protein sequence and biophysical properties (such as structural, functional, and spatial information, amino acid conservation, physicochemical variation, residue mobility, and thermodynamic stability) indicates that this missense variant is not expected to disrupt NOTCH1 protein function with a negative predictive value of 95%. In summary, the available evidence is currently insufficient to determine the role of this variant in disease. Therefore, it has been classified as a Variant of Uncertain Significance.

GeneDx
Classification: Uncertain significance. Last evaluated: 2021-09-29. Review status: criteria provided, single submitter. Criteria: GeneDx Variant Classification Process June 2021. Collection method: clinical testing. Allele origin: germline. Affected: yes.
Comment: Has not been previously published as pathogenic or benign to our knowledge; In silico analysis supports that this missense variant does not alter protein structure/function

Literature cited by the submitters: PubMed 33057194 (cited by Labcorp Genetics (formerly Invitae), Labcorp).